The following is an entry in ClinVar:

NM_004415.4(DSP):c.2130+3A>G

Gene: DSP (desmoplakin; plus strand). Cytogenetic location: 6p24.3.
Variant type: single nucleotide variant.
Coding change: c.2130+3A>G on transcript NM_004415.4 (MANE Select); 3 bases into the intron after coding-DNA position 2130, A replaced by G.
Molecular consequence: intron variant.
Genome position (GRCh38, 1-based): chr6:7,572,071, A>G. VCF-style: chr6-7572071-A-G. GRCh37 (hg19) VCF-style: chr6-7572304-A-G.
Other names: c.2130+3A>G (NM_001319034.2, NM_001008844.3).
Identifiers: ClinVar variation 4793883 (VCV004793883.1).
Genomic context (GRCh38, chr6:7,572,071, plus strand): 5'-CCCTCTAGCAGACCAGGGATCTTCTCACCACATCACAGTGAAAATTAACGAGCTTAAGGT[A>G]GGTATCTGCTAGTATTTTGCCTGGTTACCCTGTATATTTTTATTTACCTGTAAATGAATA-3'

ClinVar aggregate classification (germline): Uncertain significance (1 of 4 stars; one submission).

Conditions:
Arrhythmogenic right ventricular dysplasia 8 (ARVD8). Also called: Arrhythmogenic Right Ventricular Dysplasia/Cardiomyopathy 8; ARRHYTHMOGENIC RIGHT VENTRICULAR DYSPLASIA, FAMILIAL, 8; ARRHYTHMOGENIC RIGHT VENTRICULAR CARDIOMYOPATHY 8. Identifiers: MedGen C1843896, MONDO:0011831, OMIM 607450.
Arrhythmogenic cardiomyopathy with wooly hair and keratoderma. Also called: PALMOPLANTAR KERATODERMA WITH LEFT VENTRICULAR CARDIOMYOPATHY AND WOOLLY HAIR; Dilated cardiomyopathy with woolly hair and keratoderma; Arrhythmogenic cardiomyopathy with woolly hair and keratoderma; Carvajal syndrome. Identifiers: Orphanet 65282, MedGen C1854063, MONDO:0011581, OMIM 605676.

gnomAD v4.1: 1 of 1,612,050 alleles (0.000062%); highest among the groups gnomAD compares: African/African-American, 0.0013%; no homozygotes.

Submission:

Labcorp Genetics (formerly Invitae), Labcorp
Classification: Uncertain significance for Arrhythmogenic cardiomyopathy with wooly hair and keratoderma; Arrhythmogenic right ventricular dysplasia 8. Last evaluated: 2025-11-05. Review status: criteria provided, single submitter. Criteria: Invitae Variant Classification Sherloc (09022015). Collection method: clinical testing. Allele origin: germline.
Comment: This sequence change falls in intron 15 of the DSP gene. It does not directly change the encoded amino acid sequence of the DSP protein. It affects a nucleotide within the consensus splice site. This variant is not present in population databases (gnomAD no frequency). This variant has not been reported in the literature in individuals affected with DSP-related conditions. Variants that disrupt the consensus splice site are a relatively common cause of aberrant splicing (PMID: 17576681, 9536098). Algorithms developed to predict the effect of sequence changes on RNA splicing suggest that this variant is not likely to affect RNA splicing. In summary, the available evidence is currently insufficient to determine the role of this variant in disease. Therefore, it has been classified as a Variant of Uncertain Significance.

Literature cited by the submitters: PubMed 17576681; PubMed 9536098.